The following is an entry in ClinVar:

NM_001174147.2(LMX1B):c.500G>T (p.Gly167Val)

Gene: LMX1B (LIM homeobox transcription factor 1 beta; plus strand). Cytogenetic location: 9q33.3.
Variant type: single nucleotide variant.
Coding change: c.500G>T on transcript NM_001174147.2 (MANE Select); coding-DNA position 500, G replaced by T.
Protein change: p.Gly167Val; replaces glycine 167 with valine.
Molecular consequence: missense variant.
Genome position (GRCh38, 1-based): chr9:126,691,009, G>T. VCF-style: chr9-126691009-G-T. GRCh37 (hg19) VCF-style: chr9-129453288-G-T.
Other names: c.500G>T, p.Gly167Val (NM_001174146.2, NM_002316.4); short protein forms G167V.
Identifiers: ClinVar variation 3607462 (VCV003607462.2).
Genomic context (GRCh38, chr9:126,691,009, plus strand): 5'-AACGGCAGCTACGCAAGGGCGACGAATTCGTGCTCAAGGAGGGCCAGCTGCTGTGCAAGG[G>T]TGACTACGAGAAGGAGAAGGACCTGCTCAGCTCCGTGAGCCCCGACGAGTCCGACTCCGG-3'
Protein context (NP_001167618.1, residues 157-177): VLKEGQLLCK[Gly167Val]DYEKEKDLLS

ClinVar aggregate classification (germline): Uncertain significance (1 of 4 stars; one submission).

gnomAD v4.1: 7 of 1,613,950 alleles (0.00043%); highest among the groups gnomAD compares: African/African-American, 0.0013%; no homozygotes.

Submission:

Labcorp Genetics (formerly Invitae), Labcorp
Classification: Uncertain significance. Last evaluated: 2024-07-17. Review status: criteria provided, single submitter. Criteria: Invitae Variant Classification Sherloc (09022015). Collection method: clinical testing. Allele origin: germline.
Comment: This sequence change replaces glycine, which is neutral and non-polar, with valine, which is neutral and non-polar, at codon 167 of the LMX1B protein (p.Gly167Val). This variant is present in population databases (no rsID available, gnomAD 0.007%). This variant has not been reported in the literature in individuals affected with LMX1B-related conditions. Advanced modeling of protein sequence and biophysical properties (such as structural, functional, and spatial information, amino acid conservation, physicochemical variation, residue mobility, and thermodynamic stability) performed at Invitae indicates that this missense variant is not expected to disrupt LMX1B protein function with a negative predictive value of 80%. In summary, the available evidence is currently insufficient to determine the role of this variant in disease. Therefore, it has been classified as a Variant of Uncertain Significance.